The following is an entry in ClinVar:

NM_024757.5(EHMT1):c.1140G>C (p.Glu380Asp)

Gene: EHMT1 (euchromatic histone lysine methyltransferase 1; plus strand). Cytogenetic location: 9q34.3.
Variant type: single nucleotide variant.
Coding change: c.1140G>C on transcript NM_024757.5 (MANE Select); coding-DNA position 1140, G replaced by C.
Protein change: p.Glu380Asp; replaces glutamic acid 380 with aspartic acid.
Molecular consequence: missense variant.
Genome position (GRCh38, 1-based): chr9:137,744,060, G>C. VCF-style: chr9-137744060-G-C. GRCh37 (hg19) VCF-style: chr9-140638512-G-C.
Other names: c.1140G>C, p.Glu380Asp (NM_001145527.2, NM_001354611.2); c.1047G>C, p.Glu349Asp (NM_001354259.2, NM_001354612.2); c.1119G>C, p.Glu373Asp (NM_001354263.2); short protein forms E380D, E373D, E349D.
Identifiers: ClinVar variation 531847 (VCV000531847.25), dbSNP rs368995503, ClinGen allele CA5374505.

ClinVar aggregate classification (germline): Conflicting classifications of pathogenicity. Review status: criteria provided, conflicting classifications (1 of 4 stars). 8 submissions from 8 submitters: Uncertain significance (2); Benign (1); Likely benign (3). 2 of the submissions do not count toward it. Last evaluated 2025-12-21.

Conditions:
Inborn genetic diseases. Identifiers: MedGen C0950123, MeSH D030342.
Kleefstra syndrome 1 (KLEFS1). Identifiers: Orphanet 261494, MedGen C0795833, MONDO:0027407, OMIM 610253.
EHMT1-related disorder. Also called: EHMT1-related condition.
Intellectual disability. Also called: intellectual disabilities; Intellectual functioning disability; Intellectual developmental disorder. Identifiers: MedGen C3714756, MeSH D008607, MONDO:0001071, HP:0001249.

Allele frequency attached by ClinVar (database versions not stated): gnomAD exomes 0.00007; ESP Exome Variant Server 0.00008; ExAC 0.00009; gnomAD 0.00013; TOPMed 0.00017.
gnomAD v4.1: 130 of 1,614,042 alleles (0.0081%); highest among the groups gnomAD compares: Middle Eastern, 0.082%; no homozygotes.

Submissions (8):

Labcorp Genetics (formerly Invitae), Labcorp
Classification: Benign for Kleefstra syndrome 1. Last evaluated: 2025-12-21. Review status: criteria provided, single submitter. Criteria: Invitae Variant Classification Sherloc (09022015). Collection method: clinical testing. Allele origin: germline.

Blueprint Genetics
Classification: Likely benign. Last evaluated: 2024-06-05. Review status: criteria provided, single submitter. Criteria: ACMG Guidelines, 2015. Collection method: clinical testing. Allele origin: germline.

Ambry Genetics
Classification: Likely benign for Inborn genetic diseases. Last evaluated: 2022-11-08. Review status: criteria provided, single submitter. Criteria: Ambry Variant Classification Scheme 2023. Collection method: clinical testing. Allele origin: germline.

GeneDx
Classification: Likely benign. Last evaluated: 2020-11-05. Review status: criteria provided, single submitter. Criteria: GeneDx Variant Classification Process June 2021. Collection method: clinical testing. Allele origin: germline. Affected: yes.

Revvity Omics, Revvity
Classification: Uncertain significance for Kleefstra syndrome 1. Last evaluated: 2019-09-14. Review status: criteria provided, single submitter. Criteria: ACMG Guidelines, 2015. Collection method: clinical testing. Allele origin: germline.

Fulgent Genetics
Classification: Uncertain significance for Kleefstra syndrome 1. Last evaluated: 2018-10-31. Review status: criteria provided, single submitter. Criteria: ACMG Guidelines, 2015. Collection method: clinical testing. Allele origin: unknown.

PreventionGenetics, part of Exact Sciences
Classification: Likely benign for EHMT1-related condition. Last evaluated: 2024-02-06. Review status: no assertion criteria provided. Collection method: clinical testing. Allele origin: germline. Not counted in ClinVar's aggregate classification.
Comment: This variant is classified as likely benign based on ACMG/AMP sequence variant interpretation guidelines (Richards et al. 2015 PMID: 25741868, with internal and published modifications).

Centre de Biologie Pathologie Génétique, Centre Hospitalier Universitaire de Lille
Classification: Likely benign for Intellectual disability. Last evaluated: 2019-01-01. Review status: no assertion criteria provided. Collection method: clinical testing. Allele origin: inherited. Affected: yes. Not counted in ClinVar's aggregate classification.